The following is an entry in ClinVar:

ClinVar aggregate classification (germline): Uncertain significance (1 of 4 stars; one submission).

Conditions:
Hereditary cancer-predisposing syndrome. Also called: Hereditary Cancer Syndrome; Hereditary neoplastic syndrome; Neoplastic Syndromes, Hereditary; Tumor predisposition. Identifiers: Orphanet 140162, MedGen C0027672, MeSH D009386, MONDO:0015356.

Submission:

Ambry Genetics
Classification: Uncertain significance for Hereditary cancer-predisposing syndrome. Last evaluated: 2023-09-13. Review status: criteria provided, single submitter. Criteria: Ambry Variant Classification Scheme 2023. Collection method: clinical testing. Allele origin: germline.
Comment: The c.-3G>A variant is located in the 5' untranslated region (5&rsquo; UTR) of the NTHL1 gene. This variant results from a G to A substitution 3 bases upstream from the first translated codon. This nucleotide position is well conserved in available vertebrate species. Since supporting evidence is limited at this time, the clinical significance of this alteration remains unclear.

NM_002528.5(NTHL1):c.-3G>A

Genes: NTHL1 (nth like DNA glycosylase 1; minus strand), LOC130058209 (ATAC-STARR-seq lymphoblastoid active region 10253; plus strand). Cytogenetic location: 16p13.3.
Variant type: single nucleotide variant.
Coding change: c.-3G>A on transcript NM_002528.5; 3 bases upstream of the start codon, G replaced by A.
Genome position (GRCh38, 1-based): chr16:2,047,850, C>T on the plus strand (G>A on the coding strand, the complement: NTHL1 is on the minus strand). VCF-style: chr16-2047850-C-T. GRCh37 (hg19) VCF-style: chr16-2097851-C-T.
Identifiers: ClinVar variation 2586105 (VCV002586105.2), dbSNP rs2548333175, ClinGen allele CA2582342638.